The following is an entry in ClinVar:

NM_182961.4(SYNE1):c.22171G>A (p.Glu7391Lys)

Gene: SYNE1 (spectrin repeat containing nuclear envelope protein 1; minus strand). Cytogenetic location: 6q25.2.
Variant type: single nucleotide variant.
Coding change: c.22171G>A on transcript NM_182961.4 (MANE Select); coding-DNA position 22171, G replaced by A.
Protein change: p.Glu7391Lys; replaces glutamic acid 7391 with lysine.
Molecular consequence: missense variant.
Genome position (GRCh38, 1-based): chr6:152,218,277, C>T on the plus strand (G>A on the coding strand, the complement: SYNE1 is on the minus strand). VCF-style: chr6-152218277-C-T. GRCh37 (hg19) VCF-style: chr6-152539412-C-T.
Other names: c.21958G>A, p.Glu7320Lys (NM_033071.5); short protein forms E7320K, E7391K.
Identifiers: ClinVar variation 471028 (VCV000471028.7), dbSNP rs751761981, ClinGen allele CA4053950.

ClinVar aggregate classification (germline): Uncertain significance (1 of 4 stars; one submission).

Conditions:
Emery-Dreifuss muscular dystrophy 4, autosomal dominant (EDMD4). Also called: EMERY-DREIFUSS MUSCULAR DYSTROPHY 4 WITH VARIABLE FEATURES. Identifiers: Orphanet 261, MedGen C2751807, MONDO:0013071, OMIM 612998.
Autosomal recessive ataxia, Beauce type. Also called: SYNE1-Related Autosomal Recessive Cerebellar Ataxia; Spinocerebellar ataxia, autosomal recessive 8; ATAXIA, RECESSIVE, OF BEAUCE; SYNE1 Deficiency. Identifiers: Orphanet 88644, MedGen C1853116, MONDO:0012549, OMIM 610743.

Allele frequency attached by ClinVar (database versions not stated): gnomAD 0.00001; ExAC 0.00002; gnomAD exomes 0.00002; TOPMed 0.00004.
gnomAD v4.1: 13 of 1,613,946 alleles (0.00081%); highest among the groups gnomAD compares: Admixed American, 0.022%; no homozygotes.

Submission:

Labcorp Genetics (formerly Invitae), Labcorp
Classification: Uncertain significance for Emery-Dreifuss muscular dystrophy 4, autosomal dominant; Autosomal recessive ataxia, Beauce type. Last evaluated: 2025-12-03. Review status: criteria provided, single submitter. Criteria: Invitae Variant Classification Sherloc (09022015). Collection method: clinical testing. Allele origin: germline.
Comment: This sequence change replaces glutamic acid, which is acidic and polar, with lysine, which is basic and polar, at codon 7320 of the SYNE1 protein (p.Glu7320Lys). This variant is present in population databases (rs751761981, gnomAD 0.01%). This variant has not been reported in the literature in individuals affected with SYNE1-related conditions. ClinVar contains an entry for this variant (Variation ID: 471028). An algorithm developed to predict the effect of missense changes on protein structure and function (PolyPhen-2) suggests that this variant is likely to be tolerated. In summary, the available evidence is currently insufficient to determine the role of this variant in disease. Therefore, it has been classified as a Variant of Uncertain Significance.